The following is an entry in ClinVar:

ClinVar aggregate classification (germline): Uncertain significance. Review status: criteria provided, multiple submitters, no conflicts (2 of 4 stars). 2 submissions from 2 submitters: Uncertain significance (2). Last evaluated 2025-02-28.

gnomAD v4.1: 1 of 1,613,250 alleles (0.000062%); highest among the groups gnomAD compares: Admixed American, 0.0017%; no homozygotes.

Submissions (2):

GeneDx
Classification: Uncertain significance. Last evaluated: 2025-02-28. Review status: criteria provided, single submitter. Criteria: GeneDx Variant Classification Process June 2021. Collection method: clinical testing. Allele origin: germline. Affected: yes.
Comment: Not observed at significant frequency in large population cohorts (gnomAD); In silico analysis supports that this missense variant has a deleterious effect on protein structure/function; Has not been previously published as pathogenic or benign to our knowledge

Labcorp Genetics (formerly Invitae), Labcorp
Classification: Uncertain significance. Last evaluated: 2023-08-17. Review status: criteria provided, single submitter. Criteria: Invitae Variant Classification Sherloc (09022015). Collection method: clinical testing. Allele origin: germline.
Comment: This sequence change replaces threonine, which is neutral and polar, with isoleucine, which is neutral and non-polar, at codon 1204 of the MYH14 protein (p.Thr1204Ile). This variant is present in population databases (no rsID available, gnomAD 0.003%). This variant has not been reported in the literature in individuals affected with MYH14-related conditions. Advanced modeling of protein sequence and biophysical properties (such as structural, functional, and spatial information, amino acid conservation, physicochemical variation, residue mobility, and thermodynamic stability) performed at Invitae indicates that this missense variant is not expected to disrupt MYH14 protein function. In summary, the available evidence is currently insufficient to determine the role of this variant in disease. Therefore, it has been classified as a Variant of Uncertain Significance.

NM_001145809.2(MYH14):c.3734C>T (p.Thr1245Ile)

Gene: MYH14 (myosin heavy chain 14; plus strand). Cytogenetic location: 19q13.33.
Variant type: single nucleotide variant.
Coding change: c.3734C>T on transcript NM_001145809.2 (MANE Select); coding-DNA position 3734, C replaced by T.
Protein change: p.Thr1245Ile; replaces threonine 1245 with isoleucine.
Molecular consequence: missense variant.
Genome position (GRCh38, 1-based): chr19:50,276,810, C>T. VCF-style: chr19-50276810-C-T. GRCh37 (hg19) VCF-style: chr19-50780067-C-T.
Other names: c.3611C>T (NM_024729.3); c.3635C>T, p.Thr1212Ile (NM_001077186.2); c.3611C>T, p.Thr1204Ile (NM_024729.4); short protein forms T1204I, T1212I, T1245I.
Identifiers: ClinVar variation 2720300 (VCV002720300.4), dbSNP rs553239370, ClinGen allele CA406955438.